The following is an entry in ClinVar:

NM_003151.4(STAT4):c.160A>G (p.Thr54Ala)

Gene: STAT4 (signal transducer and activator of transcription 4; minus strand). Cytogenetic location: 2q32.3.
Variant type: single nucleotide variant.
Coding change: c.160A>G on transcript NM_003151.4 (MANE Select); coding-DNA position 160, A replaced by G.
Protein change: p.Thr54Ala; replaces threonine 54 with alanine.
Molecular consequence: missense variant.
Genome position (GRCh38, 1-based): chr2:191,146,726, T>C on the plus strand (A>G on the coding strand, the complement: STAT4 is on the minus strand). VCF-style: chr2-191146726-T-C. GRCh37 (hg19) VCF-style: chr2-192011452-T-C.
Other names: c.160A>G, p.Thr54Ala (NM_001243835.2); short protein forms T54A.
Identifiers: ClinVar variation 2843001 (VCV002843001.3), dbSNP rs1699470596, ClinGen allele CA350002630.

ClinVar aggregate classification (germline): Uncertain significance (1 of 4 stars; one submission).

Submission:

Labcorp Genetics (formerly Invitae), Labcorp
Classification: Uncertain significance. Last evaluated: 2025-03-18. Review status: criteria provided, single submitter. Criteria: Invitae Variant Classification Sherloc (09022015). Collection method: clinical testing. Allele origin: germline.
Comment: This sequence change replaces threonine, which is neutral and polar, with alanine, which is neutral and non-polar, at codon 54 of the STAT4 protein (p.Thr54Ala). This variant is not present in population databases (gnomAD no frequency). This variant has not been reported in the literature in individuals affected with STAT4-related conditions. ClinVar contains an entry for this variant (Variation ID: 2843001). Invitae Evidence Modeling of protein sequence and biophysical properties (such as structural, functional, and spatial information, amino acid conservation, physicochemical variation, residue mobility, and thermodynamic stability) indicates that this missense variant is not expected to disrupt STAT4 protein function with a negative predictive value of 80%. In summary, the available evidence is currently insufficient to determine the role of this variant in disease. Therefore, it has been classified as a Variant of Uncertain Significance.